The following is an entry in ClinVar:

ClinVar aggregate classification (germline): Uncertain significance (1 of 4 stars; one submission).

Conditions:
Congenital myasthenic syndrome 2A. Also called: Myasthenic syndrome, congenital, 2a, slow-channel. Identifiers: Orphanet 590, MedGen C4225374, MONDO:0014581, OMIM 616313.

Allele frequency attached by ClinVar (database versions not stated): gnomAD exomes below 0.00001; gnomAD 0.00002; TOPMed 0.00002.
gnomAD v4.1: 4 of 1,613,974 alleles (0.00025%); highest among the groups gnomAD compares: African/African-American, 0.0053%; no homozygotes.

Submission:

Labcorp Genetics (formerly Invitae), Labcorp
Classification: Uncertain significance for Congenital myasthenic syndrome 2A. Last evaluated: 2023-05-29. Review status: criteria provided, single submitter. Criteria: Invitae Variant Classification Sherloc (09022015). Collection method: clinical testing. Allele origin: germline.
Comment: In summary, the available evidence is currently insufficient to determine the role of this variant in disease. Therefore, it has been classified as a Variant of Uncertain Significance. Advanced modeling of protein sequence and biophysical properties (such as structural, functional, and spatial information, amino acid conservation, physicochemical variation, residue mobility, and thermodynamic stability) performed at Invitae indicates that this missense variant is not expected to disrupt CHRNB1 protein function. ClinVar contains an entry for this variant (Variation ID: 1441336). This variant has not been reported in the literature in individuals affected with CHRNB1-related conditions. This variant is present in population databases (no rsID available, gnomAD 0.01%). This sequence change replaces valine, which is neutral and non-polar, with isoleucine, which is neutral and non-polar, at codon 466 of the CHRNB1 protein (p.Val466Ile).

NM_000747.3(CHRNB1):c.1396G>A (p.Val466Ile)

Gene: CHRNB1 (cholinergic receptor nicotinic beta 1 subunit; plus strand). Cytogenetic location: 17p13.1.
Variant type: single nucleotide variant.
Coding change: c.1396G>A on transcript NM_000747.3 (MANE Select); coding-DNA position 1396, G replaced by A.
Protein change: p.Val466Ile; replaces valine 466 with isoleucine.
Molecular consequence: missense variant.
Genome position (GRCh38, 1-based): chr17:7,456,613, G>A. VCF-style: chr17-7456613-G-A. GRCh37 (hg19) VCF-style: chr17-7359932-G-A.
Other names: short protein forms V466I.
Identifiers: ClinVar variation 1441336 (VCV001441336.6), dbSNP rs1046733309, ClinGen allele CA287433161.
Genomic context (GRCh38, chr17:7,456,613, plus strand): 5'-GCTCAGGAAGTTTCCTTTGCCTACCCACAGCTGAAGGAGGACTGGCAGTTTGTGGCCATG[G>A]TAGTGGACCGCCTCTTCCTGTGGACTTTCATCATCTTCACCAGCGTTGGGACCCTAGTCA-3'
Protein context (NP_000738.2, residues 456-476): LKEDWQFVAM[Val466Ile]VDRLFLWTFI